The following is an entry in ClinVar:

NM_017617.5(NOTCH1):c.7668A>T (p.Ter2556Tyr)

Gene: NOTCH1 (notch receptor 1; minus strand). Cytogenetic location: 9q34.3.
Variant type: single nucleotide variant.
Coding change: c.7668A>T on transcript NM_017617.5 (MANE Select); coding-DNA position 7668, A replaced by T.
Protein change: p.Ter2556Tyr.
Molecular consequence: stop lost.
Genome position (GRCh38, 1-based): chr9:136,496,071, T>A on the plus strand (A>T on the coding strand, the complement: NOTCH1 is on the minus strand). VCF-style: chr9-136496071-T-A. GRCh37 (hg19) VCF-style: chr9-139390523-T-A.
Identifiers: ClinVar variation 4718274 (VCV004718274.1).

ClinVar aggregate classification (germline): Uncertain significance (1 of 4 stars; one submission).

Conditions:
Adams-Oliver syndrome 5 (AOS5). Identifiers: Orphanet 974, MedGen C4014970, MONDO:0014459, OMIM 616028.

Submission:

Labcorp Genetics (formerly Invitae), Labcorp
Classification: Uncertain significance for Adams-Oliver syndrome 5. Last evaluated: 2025-12-24. Review status: criteria provided, single submitter. Criteria: Invitae Variant Classification Sherloc (09022015). Collection method: clinical testing. Allele origin: germline.
Comment: This sequence change disrupts the translational stop signal of the NOTCH1 mRNA. It is expected to extend the length of the NOTCH1 protein by 75 additional amino acid residues. This variant is not present in population databases (gnomAD no frequency). This variant has not been reported in the literature in individuals affected with NOTCH1-related conditions. Experimental studies and prediction algorithms are not available or were not evaluated, and the functional significance of this variant is currently unknown. In summary, the available evidence is currently insufficient to determine the role of this variant in disease. Therefore, it has been classified as a Variant of Uncertain Significance.